The following is an entry in ClinVar:

ClinVar aggregate classification (germline): Uncertain significance (1 of 4 stars; one submission).

Conditions:
Skeletal muscle channelopathy.

Submission:

Genetics Laboratory, Great Ormond Street Hospital NHS Foundation Trust, North Thames Genomic Laboratory Hub
Classification: Uncertain significance for Skeletal muscle channelopathy. Last evaluated: 2025-12-29. Review status: criteria provided, single submitter. Criteria: ACGS Best Practice Guidelines for Variant Classification in Rare Disease 2024 v1.2. Collection method: clinical testing. Allele origin: germline. Affected: yes.
Comment: PP3_supporting, PM5_moderate, PM1_supporting, PP2_supporting

NM_000891.3(KCNJ2):c.221C>T (p.Thr74Ile)

Gene: KCNJ2 (potassium inwardly rectifying channel subfamily J member 2; plus strand). Cytogenetic location: 17q24.3.
Variant type: single nucleotide variant.
Coding change: c.221C>T on transcript NM_000891.3 (MANE Select); coding-DNA position 221, C replaced by T.
Protein change: p.Thr74Ile; replaces threonine 74 with isoleucine.
Molecular consequence: missense variant.
Genome position (GRCh38, 1-based): chr17:70,175,260, C>T. VCF-style: chr17-70175260-C-T. GRCh37 (hg19) VCF-style: chr17-68171401-C-T.
Other names: short protein forms T74I.
Identifiers: ClinVar variation 4796734 (VCV004796734.1).